The following is an entry in ClinVar:

NM_015726.4(DCAF8):c.809C>T (p.Thr270Ile)

Gene: DCAF8 (DDB1 and CUL4 associated factor 8; minus strand). Cytogenetic location: 1q23.2.
Variant type: single nucleotide variant.
Coding change: c.809C>T on transcript NM_015726.4 (MANE Select); coding-DNA position 809, C replaced by T.
Protein change: p.Thr270Ile; replaces threonine 270 with isoleucine.
Molecular consequence: missense variant. On other transcripts: non-coding transcript variant (2).
Genome position (GRCh38, 1-based): chr1:160,238,662, G>A on the plus strand (C>T on the coding strand, the complement: DCAF8 is on the minus strand). VCF-style: chr1-160238662-G-A. GRCh37 (hg19) VCF-style: chr1-160208452-G-A.
Other names: short protein forms T270I.
Identifiers: ClinVar variation 951345 (VCV000951345.9), dbSNP rs753753498, ClinGen allele CA1196862.

ClinVar aggregate classification (germline): Uncertain significance (1 of 4 stars; one submission).

Allele frequency attached by ClinVar (database versions not stated): gnomAD exomes below 0.00001 and 0.00001; TOPMed below 0.00001; ExAC 0.00001.
gnomAD v4.1: 2 of 1,613,828 alleles (0.00012%); highest among the groups gnomAD compares: Admixed American, 0.0017%; no homozygotes.

Submission:

Labcorp Genetics (formerly Invitae), Labcorp
Classification: Uncertain significance. Last evaluated: 2020-02-04. Review status: criteria provided, single submitter. Criteria: Invitae Variant Classification Sherloc (09022015). Collection method: clinical testing. Allele origin: germline.
Comment: This sequence change replaces threonine with isoleucine at codon 270 of the DCAF8 protein (p.Thr270Ile). The threonine residue is moderately conserved and there is a moderate physicochemical difference between threonine and isoleucine. This variant has not been reported in the literature in individuals with DCAF8-related conditions. This variant is present in population databases (rs753753498, ExAC 0.006%). Algorithms developed to predict the effect of missense changes on protein structure and function are either unavailable or do not agree on the potential impact of this missense change (SIFT: "Deleterious"; PolyPhen-2: "Benign"; Align-GVGD: "Class C0"). In summary, the available evidence is currently insufficient to determine the role of this variant in disease. Therefore, it has been classified as a Variant of Uncertain Significance.